The following is an entry in ClinVar:

NM_001184900.3(CARD8):c.754C>A (p.His252Asn)

Gene: CARD8 (caspase recruitment domain family member 8; minus strand). Cytogenetic location: 19q13.33.
Variant type: single nucleotide variant.
Coding change: c.754C>A on transcript NM_001184900.3 (MANE Select); coding-DNA position 754, C replaced by A.
Protein change: p.His252Asn; replaces histidine 252 with asparagine.
Molecular consequence: missense variant. On other transcripts: non-coding transcript variant (4).
Genome position (GRCh38, 1-based): chr19:48,230,795, G>T on the plus strand (C>A on the coding strand, the complement: CARD8 is on the minus strand). VCF-style: chr19-48230795-G-T. GRCh37 (hg19) VCF-style: chr19-48734052-G-T.
Other names: c.604C>A, p.His202Asn (NM_001184901.1, NM_001351783.2, NM_001351788.2 and 2 more transcripts); c.754C>A, p.His252Asn (NM_001184902.2, NM_001184903.1, NM_001351782.2); c.439C>A, p.His147Asn (NM_001351784.2, NM_001351787.2, NM_001351791.2 and 2 more transcripts); c.418C>A, p.His140Asn (NM_001351786.2); c.511C>A, p.His171Asn (NM_001351790.2); c.754C>A (NM_001184900.1); short protein forms H202N, H140N, H147N, H171N, H252N.
Identifiers: ClinVar variation 1375366 (VCV001375366.7), dbSNP rs764067338, ClinGen allele CA9547935.
Genomic context (GRCh38, chr19:48,230,795, plus strand): 5'-GCACCCCAGCGGCCCCCACAGCCTCCGCTCACCCCACATTACCTTGGAGGGAGATGAAGT[G>T]GGGGAGGTGGATTTCGGCGACAGCCTCCTCTGGCTCTGCAGTGACATCAAACAAGGGGCC-3'
Protein context (NP_001171829.1, residues 242-262): EEAVAEIHLP[His252Asn]FISLQAGEVD

ClinVar aggregate classification (germline): Uncertain significance. Review status: criteria provided, multiple submitters, no conflicts (2 of 4 stars). 2 submissions from 2 submitters: Uncertain significance (2). Last evaluated 2025-09-09.

gnomAD v4.1: 57 of 1,613,866 alleles (0.0035%); highest among the groups gnomAD compares: South Asian, 0.026%; no homozygotes.

Submissions (2):

Labcorp Genetics (formerly Invitae), Labcorp
Classification: Uncertain significance. Last evaluated: 2025-09-09. Review status: criteria provided, single submitter. Criteria: Invitae Variant Classification Sherloc (09022015). Collection method: clinical testing. Allele origin: germline.
Comment: This sequence change replaces histidine, which is basic and polar, with asparagine, which is neutral and polar, at codon 202 of the CARD8 protein (p.His202Asn). This variant is present in population databases (rs764067338, gnomAD 0.03%). This variant has not been reported in the literature in individuals affected with CARD8-related conditions. ClinVar contains an entry for this variant (Variation ID: 1375366). An algorithm developed to predict the effect of missense changes on protein structure and function (PolyPhen-2) suggests that this variant is likely to be disruptive. In summary, the available evidence is currently insufficient to determine the role of this variant in disease. Therefore, it has been classified as a Variant of Uncertain Significance.

Ambry Genetics
Classification: Uncertain significance. Last evaluated: 2023-05-03. Review status: criteria provided, single submitter. Criteria: Ambry Variant Classification Scheme 2023. Collection method: clinical testing. Allele origin: germline.